The following is an entry in ClinVar:

ClinVar aggregate classification (germline): Uncertain significance (1 of 4 stars; one submission).

Submission:

GeneDx
Classification: Uncertain significance. Last evaluated: 2025-06-08. Review status: criteria provided, single submitter. Criteria: GeneDx Variant Classification Process June 2021. Collection method: clinical testing. Allele origin: germline. Affected: yes.
Comment: Not observed at significant frequency in large population cohorts (gnomAD); In silico analysis supports that this missense variant has a deleterious effect on protein structure/function; Has not been previously published as pathogenic or benign to our knowledge

NM_000069.3(CACNA1S):c.3368T>A (p.Leu1123Gln)

Gene: CACNA1S (calcium voltage-gated channel subunit alpha1 S; minus strand). Cytogenetic location: 1q32.1.
Variant type: single nucleotide variant.
Coding change: c.3368T>A on transcript NM_000069.3 (MANE Select); coding-DNA position 3368, T replaced by A.
Protein change: p.Leu1123Gln; replaces leucine 1123 with glutamine.
Molecular consequence: missense variant.
Genome position (GRCh38, 1-based): chr1:201,060,704, A>T on the plus strand (T>A on the coding strand, the complement: CACNA1S is on the minus strand). VCF-style: chr1-201060704-A-T. GRCh37 (hg19) VCF-style: chr1-201029832-A-T.
Other names: short protein forms L1123Q.
Identifiers: ClinVar variation 4536212 (VCV004536212.1).